The following is an entry in ClinVar:

ClinVar aggregate classification (germline): Uncertain significance. Review status: criteria provided, multiple submitters, no conflicts (2 of 4 stars). 2 submissions from 2 submitters: Uncertain significance (2). Last evaluated 2021-11-09.

Conditions:
Long QT syndrome (LQTS). Identifiers: MedGen C0023976, MeSH D008133, MONDO:0002442. Disease mechanism: loss of function. Inheritance: Various modes of inheritance.
Cardiac arrhythmia, ankyrin-B-related. Also called: ANKYRIN-B SYNDROME. Identifiers: Orphanet 101016, Orphanet 768, MedGen C1970119, MONDO:0010958, OMIM 600919.

Allele frequency attached by ClinVar (database versions not stated): gnomAD 0.00001.
gnomAD v4.1: 1 of 1,613,992 alleles (0.000062%); highest among the groups gnomAD compares: Non-Finnish European, 0.000085%; no homozygotes.

Submissions (2):

Fulgent Genetics
Classification: Uncertain significance for Cardiac arrhythmia, ankyrin-B-related. Last evaluated: 2021-11-09. Review status: criteria provided, single submitter. Criteria: ACMG Guidelines, 2015. Collection method: clinical testing. Allele origin: unknown.

Labcorp Genetics (formerly Invitae), Labcorp
Classification: Uncertain significance for Long QT syndrome. Last evaluated: 2020-12-01. Review status: criteria provided, single submitter. Criteria: Invitae Variant Classification Sherloc (09022015). Collection method: clinical testing. Allele origin: germline.
Comment: In summary, the available evidence is currently insufficient to determine the role of this variant in disease. Therefore, it has been classified as a Variant of Uncertain Significance. Algorithms developed to predict the effect of missense changes on protein structure and function are either unavailable or do not agree on the potential impact of this missense change (SIFT: "Deleterious"; PolyPhen-2: "Possibly Damaging"; Align-GVGD: "Class C0"). This variant has not been reported in the literature in individuals with ANK2-related conditions. This variant is not present in population databases (ExAC no frequency). This sequence change replaces serine with cysteine at codon 1836 of the ANK2 protein (p.Ser1836Cys). The serine residue is weakly conserved and there is a moderate physicochemical difference between serine and cysteine.

NM_001148.6(ANK2):c.5507C>G (p.Ser1836Cys)

Genes: ANK2 (ankyrin 2; plus strand), LOC126807136 (MED14-independent group 3 enhancer GRCh37_chr4:114274931-114276130; plus strand). Cytogenetic location: 4q26.
Variant type: single nucleotide variant.
Coding change: c.5507C>G on transcript NM_001148.6 (MANE Select); coding-DNA position 5507, C replaced by G.
Protein change: p.Ser1836Cys; replaces serine 1836 with cysteine.
Molecular consequence: missense variant. On other transcripts: intron variant (68).
Genome position (GRCh38, 1-based): chr4:113,354,125, C>G. VCF-style: chr4-113354125-C-G. GRCh37 (hg19) VCF-style: chr4-114275281-C-G.
Other names: c.5273C>G, p.Ser1758Cys (NM_001386142.1); c.1907C>G, p.Ser636Cys (NM_001386166.1); c.5648C>G, p.Ser1883Cys (NM_001386174.1); c.5624C>G, p.Ser1875Cys (NM_001386175.1); c.4411+3876C>G (NM_001386186.2, NM_001386148.2); c.4213+3876C>G (NM_001354269.3); c.4291+3876C>G (NM_001386187.2); c.4252+3876C>G (NM_001386147.1); and 35 more; short protein forms S1758C, S1875C, S1883C, S636C, S1836C.
Identifiers: ClinVar variation 1384168 (VCV001384168.9), dbSNP rs2095587012, ClinGen allele CA357919969.
Genomic context (GRCh38, chr4:113,354,125, plus strand): 5'-AGAGACATGCGCCAGGGTCTCCCTCCCCTAAAACAGAAAGACACTCTACTCTTTCCTCTT[C>G]CGCAAAAACTGAAAGGCACCCTCCAGTATCACCATCAAGTAAAACTGAGAAACACTCACC-3'
Protein context (NP_001139.3, residues 1826-1846): KTERHSTLSS[Ser1836Cys]AKTERHPPVS